The following is an entry in ClinVar:

ClinVar aggregate classification (germline): Uncertain significance. Review status: criteria provided, multiple submitters, no conflicts (2 of 4 stars). 2 submissions from 2 submitters: Uncertain significance (2). Last evaluated 2026-05-03.

Conditions:
Cardiovascular phenotype. Identifiers: MedGen CN230736.
Long QT syndrome (LQTS). Identifiers: MedGen C0023976, MeSH D008133, MONDO:0002442. Disease mechanism: loss of function. Inheritance: Various modes of inheritance.

Allele frequency attached by ClinVar (database versions not stated): TOPMed 0.00001; gnomAD exomes below 0.00001.
gnomAD v4.1: 2 of 1,614,064 alleles (0.00012%); highest among the groups gnomAD compares: Admixed American, 0.0017%; no homozygotes.

Submissions (2):

Ambry Genetics
Classification: Uncertain significance for Cardiovascular phenotype. Last evaluated: 2026-05-03. Review status: criteria provided, single submitter. Criteria: Ambry Variant Classification Scheme 2023. Collection method: clinical testing. Allele origin: germline.
Comment: The p.P3278L variant (also known as c.9833C>T), located in coding exon 38 of the ANK2 gene, results from a C to T substitution at nucleotide position 9833. The proline at codon 3278 is replaced by leucine, an amino acid with similar properties. This amino acid position is conserved. In addition, this alteration is predicted to be deleterious by in silico analysis. Based on the available evidence, the clinical significance of this variant remains unclear.

Labcorp Genetics (formerly Invitae), Labcorp
Classification: Uncertain significance for Long QT syndrome. Last evaluated: 2021-12-21. Review status: criteria provided, single submitter. Criteria: Invitae Variant Classification Sherloc (09022015). Collection method: clinical testing. Allele origin: germline.
Comment: In summary, the available evidence is currently insufficient to determine the role of this variant in disease. Therefore, it has been classified as a Variant of Uncertain Significance. Algorithms developed to predict the effect of missense changes on protein structure and function are either unavailable or do not agree on the potential impact of this missense change (SIFT: "Tolerated"; PolyPhen-2: "Probably Damaging"; Align-GVGD: "Class C0"). This variant has not been reported in the literature in individuals affected with ANK2-related conditions. This variant is present in population databases (no rsID available, gnomAD 0.003%). This sequence change replaces proline, which is neutral and non-polar, with leucine, which is neutral and non-polar, at codon 3278 of the ANK2 protein (p.Pro3278Leu).

NM_001148.6(ANK2):c.9833C>T (p.Pro3278Leu)

Gene: ANK2 (ankyrin 2; plus strand). Cytogenetic location: 4q26.
Variant type: single nucleotide variant.
Coding change: c.9833C>T on transcript NM_001148.6 (MANE Select); coding-DNA position 9833, C replaced by T.
Protein change: p.Pro3278Leu; replaces proline 3278 with leucine.
Molecular consequence: missense variant. On other transcripts: intron variant (68).
Genome position (GRCh38, 1-based): chr4:113,358,451, C>T. VCF-style: chr4-113358451-C-T. GRCh37 (hg19) VCF-style: chr4-114279607-C-T.
Other names: c.9599C>T, p.Pro3200Leu (NM_001386142.1); c.6233C>T, p.Pro2078Leu (NM_001386166.1); c.9974C>T, p.Pro3325Leu (NM_001386174.1); c.9950C>T, p.Pro3317Leu (NM_001386175.1); c.4412-2372C>T (NM_001386186.2, NM_001386148.2); c.4214-2372C>T (NM_001354269.3); c.4292-2372C>T (NM_001386187.2); c.4253-2372C>T (NM_001386147.1); and 36 more; short protein forms P2078L, P3278L, P3317L, P3200L, P3325L.
Identifiers: ClinVar variation 1440731 (VCV001440731.8), dbSNP rs1374406921, ClinGen allele CA357939102.